The following is an entry in ClinVar:

ClinVar aggregate classification (germline): Likely benign. Review status: criteria provided, multiple submitters, no conflicts (2 of 4 stars). 3 submissions from 3 submitters: Likely benign (3). Last evaluated 2026-09-01.

Allele frequency attached by ClinVar (database versions not stated): gnomAD exomes 0.00002 and 0.00012; gnomAD 0.00005; TOPMed 0.00005; ExAC 0.00006.
gnomAD v4.1: 38 of 1,201,311 alleles (0.0032%); highest among the groups gnomAD compares: Admixed American, 0.044%; no homozygotes.

Submissions (3):

CeGaT Center for Human Genetics Tuebingen
Classification: Likely benign. Last evaluated: 2026-09-01. Review status: criteria provided, single submitter. Criteria: CeGaT Center For Human Genetics Tuebingen Variant Classification Criteria Version 2. Collection method: clinical testing. Allele origin: germline. Affected: yes. Observed: 2 variant alleles.
Comment: PGK1: BP4, BP7, BS2

Labcorp Genetics (formerly Invitae), Labcorp
Classification: Likely benign. Last evaluated: 2025-06-15. Review status: criteria provided, single submitter. Criteria: Invitae Variant Classification Sherloc (09022015). Collection method: clinical testing. Allele origin: germline.

Blueprint Genetics
Classification: Likely benign. Last evaluated: 2024-08-06. Review status: criteria provided, single submitter. Criteria: ACMG Guidelines, 2015. Collection method: clinical testing. Allele origin: germline.

NM_000291.4(PGK1):c.1188T>A (p.Gly396=)

Gene: PGK1 (phosphoglycerate kinase 1; plus strand). Cytogenetic location: Xq21.1.
Variant type: single nucleotide variant.
Coding change: c.1188T>A on transcript NM_000291.4 (MANE Select); coding-DNA position 1188, T replaced by A.
Protein change: p.Gly396=; no amino-acid change (glycine 396 retained).
Molecular consequence: synonymous variant.
Genome position (GRCh38, 1-based): chrX:78,125,400, T>A. VCF-style: chrX-78125400-T-A. GRCh37 (hg19) VCF-style: chrX-77380897-T-A.
Identifiers: ClinVar variation 740889 (VCV000740889.51), dbSNP rs782667719, ClinGen allele CA10459841.
Genomic context (GRCh38, chrX:78,125,400, plus strand): 5'-TGCCACTTGCTGTGCCAAATGGAACACGGAGGATAAAGTCAGCCATGTGAGCACTGGGGG[T>A]GGTGCCAGTTTGGAGCTCCTGGAAGGTGAGGGTCTTCTGTTTTTTGGCTTGTTTGGGATA-3'
Protein context (NP_000282.1, residues 386-406): EDKVSHVSTG[Gly396=]GASLELLEGK